The following is an entry in ClinVar:

ClinVar aggregate classification (germline): Likely benign (0 of 4 stars; one submission).

Conditions:
ASXL1-related disorder. Also called: ASXL1-related condition; ASXL1-related disorders.

Submission:

PreventionGenetics, part of Exact Sciences
Classification: Likely benign for ASXL1-related condition. Last evaluated: 2023-09-21. Review status: no assertion criteria provided. Collection method: clinical testing. Allele origin: germline.
Comment: This variant is classified as likely benign based on ACMG/AMP sequence variant interpretation guidelines (Richards et al. 2015 PMID: 25741868, with internal and published modifications).

NM_015338.6(ASXL1):c.2979T>C (p.Ser993=)

Gene: ASXL1 (ASXL transcriptional regulator 1; plus strand). Cytogenetic location: 20q11.21.
Variant type: single nucleotide variant.
Coding change: c.2979T>C on transcript NM_015338.6 (MANE Select); coding-DNA position 2979, T replaced by C.
Protein change: p.Ser993=; no amino-acid change (serine 993 retained).
Molecular consequence: synonymous variant.
Genome position (GRCh38, 1-based): chr20:32,435,691, T>C. VCF-style: chr20-32435691-T-C. GRCh37 (hg19) VCF-style: chr20-31023494-T-C.
Other names: c.2796T>C, p.Ser932= (NM_001363734.1).
Identifiers: ClinVar variation 3032998 (VCV003032998.2), dbSNP rs2145376048, ClinGen allele CA510466876.